The following is an entry in ClinVar:

ClinVar aggregate classification (germline): Pathogenic (1 of 4 stars; one submission).

Conditions:
Jeune thoracic dystrophy. Also called: Jeune syndrome; Infantile thoracic dystrophy; Thoracic pelvic phalangeal dystrophy; Jeune's syndrome; Chondroectodermal dysplasia-like syndrome; Short-rib thoracic dysplasia. Identifiers: Orphanet 474, MedGen C0265275, MONDO:0018770.

Submission:

Labcorp Genetics (formerly Invitae), Labcorp
Classification: Pathogenic for Jeune thoracic dystrophy. Last evaluated: 2023-04-06. Review status: criteria provided, single submitter. Criteria: Invitae Variant Classification Sherloc (09022015). Collection method: clinical testing. Allele origin: germline.
Comment: This sequence change creates a premature translational stop signal (p.Glu3146Asnfs*16) in the DYNC2H1 gene. It is expected to result in an absent or disrupted protein product. Loss-of-function variants in DYNC2H1 are known to be pathogenic (PMID: 23339108, 32753734). For these reasons, this variant has been classified as Pathogenic. Algorithms developed to predict the effect of sequence changes on RNA splicing suggest that this variant may create or strengthen a splice site. This variant has not been reported in the literature in individuals affected with DYNC2H1-related conditions. This variant is not present in population databases (gnomAD no frequency).

Literature cited by the submitters: PubMed 23339108; PubMed 32753734.

NM_001377.3(DYNC2H1):c.9436_9439del (p.Glu3146fs)

Gene: DYNC2H1 (dynein cytoplasmic 2 heavy chain 1; plus strand). Cytogenetic location: 11q22.3.
Variant type: Deletion.
Coding change: c.9436_9439del on transcript NM_001377.3 (MANE Select); coding-DNA positions 9436 to 9439, 4 bases deleted (GAAA; older notation c.9436_9439delGAAA).
Protein change: p.Glu3146fs; shifts the reading frame from glutamic acid 3146.
Molecular consequence: frameshift variant.
Genome position (GRCh38, 1-based): chr11:103,231,342-103,231,345, GAAA deleted; deleting any 4 consecutive bases within chr11:103,231,339-103,231,345 gives the same sequence; the c. name uses the placement nearest the transcript's 3' end. VCF-style (leftmost placement, unchanged base first): chr11-103231338-CAAAG-C. GRCh37 (hg19) VCF-style: chr11-103102067-CAAAG-C.
Other names: c.9436_9439del, p.Glu3146fs (NM_001080463.2); short protein forms E3146fs.
Identifiers: ClinVar variation 2852467 (VCV002852467.3), dbSNP rs2496509129, ClinGen allele CA2739270866.